The following is an entry in ClinVar:

NM_004586.3(RPS6KA3):c.1341G>A (p.Glu447=)

Gene: RPS6KA3 (ribosomal protein S6 kinase A3; minus strand). Cytogenetic location: Xp22.12.
Variant type: single nucleotide variant.
Coding change: c.1341G>A on transcript NM_004586.3 (MANE Select); coding-DNA position 1341, G replaced by A.
Protein change: p.Glu447=; no amino-acid change (glutamic acid 447 retained).
Molecular consequence: synonymous variant.
Genome position (GRCh38, 1-based): chrX:20,172,758, C>T on the plus strand (G>A on the coding strand, the complement: RPS6KA3 is on the minus strand). VCF-style: chrX-20172758-C-T. GRCh37 (hg19) VCF-style: chrX-20190876-C-T.
Identifiers: ClinVar variation 3344099 (VCV003344099.1).

ClinVar aggregate classification (germline): Likely benign (0 of 4 stars; one submission).

Conditions:
RPS6KA3-related disorder. Also called: RPS6KA3-related condition.

gnomAD v4.1: 3 of 1,200,693 alleles (0.00025%); highest among the groups gnomAD compares: Non-Finnish European, 0.00034%; no homozygotes.

Submission:

PreventionGenetics, part of Exact Sciences
Classification: Likely benign for RPS6KA3-related condition. Last evaluated: 2024-08-06. Review status: no assertion criteria provided. Collection method: clinical testing. Allele origin: germline.
Comment: This variant is classified as likely benign based on ACMG/AMP sequence variant interpretation guidelines (Richards et al. 2015 PMID: 25741868, with internal and published modifications).